The following is an entry in ClinVar:

NM_024675.4(PALB2):c.569_572delinsTTTTGT (p.Ser190fs)

Gene: PALB2 (partner and localizer of BRCA2; minus strand). Cytogenetic location: 16p12.2.
Variant type: Indel.
Coding change: c.569_572delinsTTTTGT on transcript NM_024675.4 (MANE Select); coding-DNA positions 569 to 572, CACC replaced by TTTTGT.
Protein change: p.Ser190fs; shifts the reading frame from serine 190.
Molecular consequence: frameshift variant. On other transcripts: 5 prime UTR variant (8), intron variant (3).
Genome position (GRCh38, 1-based): chr16:23,635,974-23,635,977, GGTG replaced by ACAAAA on the plus strand (CACC replaced by TTTTGT on the coding strand, the reverse complement: PALB2 is on the minus strand). VCF-style: chr16-23635974-GGTG-ACAAAA. GRCh37 (hg19) VCF-style: chr16-23647295-GGTG-ACAAAA.
Other names: c.509_512delinsTTTTGT, p.Ser170fs (NM_001407296.1); c.569_572delinsTTTTGT, p.Ser190fs (NM_001407297.1, NM_001407298.1, NM_001407299.1 and 3 more transcripts); c.-317_-314delinsTTTTGT (NM_001407304.1, NM_001407305.1, NM_001407306.1 and 5 more transcripts); c.48+5133_48+5136delinsTTTTGT (NM_001407314.1); c.-105+5133_-105+5136delinsTTTTGT (NM_001407313.1, NM_001407312.1); short protein forms S170fs, S190fs.
Identifiers: ClinVar variation 2674032 (VCV002674032.1), dbSNP rs2506507300, ClinGen allele CA2695197548.

ClinVar aggregate classification (germline): Pathogenic (1 of 4 stars; one submission).

Conditions:
Familial cancer of breast. Also called: Hereditary breast cancer; BREAST CANCER, FAMILIAL; hereditary breast carcinoma. Identifiers: Orphanet 227535, MedGen C0346153, MONDO:0016419, OMIM 114480. Disease mechanism: loss of function.

Submission:

Myriad Genetics, Inc.
Classification: Pathogenic for Familial cancer of breast. Last evaluated: 2023-09-06. Review status: criteria provided, single submitter. Criteria: Myriad Autosomal Dominant, Autosomal Recessive and X-Linked Classification Criteria (2023). Collection method: clinical testing. Allele origin: unknown.
Comment: This variant is considered pathogenic. This variant creates a frameshift predicted to result in premature protein truncation.